The following is an entry in ClinVar:

ClinVar aggregate classification (germline): Conflicting classifications of pathogenicity. Review status: criteria provided, conflicting classifications (1 of 4 stars). 3 submissions from 3 submitters: Uncertain significance (2); Likely benign (1). Last evaluated 2025-07-14.

Conditions:
Hereditary cancer-predisposing syndrome. Also called: Neoplastic Syndromes, Hereditary; Tumor predisposition; Hereditary Cancer Syndrome; Hereditary neoplastic syndrome. Identifiers: Orphanet 140162, MedGen C0027672, MeSH D009386, MONDO:0015356.
Familial cancer of breast. Also called: BREAST CANCER, FAMILIAL; hereditary breast carcinoma; Hereditary breast cancer. Identifiers: Orphanet 227535, MedGen C0346153, MONDO:0016419, OMIM 114480. Disease mechanism: loss of function.

Submissions (3):

Color Diagnostics, LLC DBA Color Health
Classification: Uncertain significance for Hereditary cancer-predisposing syndrome. Last evaluated: 2025-07-14. Review status: criteria provided, single submitter. Criteria: ACMG Guidelines, 2015. Collection method: clinical testing. Allele origin: germline.
Comment: This missense variant replaces leucine with phenylalanine at codon 199 of the PALB2 protein. Computational prediction suggests that this variant may not impact protein structure and function. To our knowledge, functional studies have not been reported for this variant. This variant has not been reported in individuals affected with PALB2-related disorders in the literature. This variant has not been identified in the general population by the Genome Aggregation Database (gnomAD). The available evidence is insufficient to determine the role of this variant in disease conclusively. Therefore, this variant is classified as a Variant of Uncertain Significance.

Ambry Genetics
Classification: Likely benign for Hereditary cancer-predisposing syndrome. Last evaluated: 2023-12-14. Review status: criteria provided, single submitter. Criteria: Ambry Variant Classification Scheme 2023. Collection method: clinical testing. Allele origin: germline.

Labcorp Genetics (formerly Invitae), Labcorp
Classification: Uncertain significance for Familial cancer of breast. Last evaluated: 2023-10-25. Review status: criteria provided, single submitter. Criteria: Invitae Variant Classification Sherloc (09022015). Collection method: clinical testing. Allele origin: germline.
Comment: This sequence change replaces leucine, which is neutral and non-polar, with phenylalanine, which is neutral and non-polar, at codon 199 of the PALB2 protein (p.Leu199Phe). This variant is not present in population databases (gnomAD no frequency). This variant has not been reported in the literature in individuals affected with PALB2-related conditions. ClinVar contains an entry for this variant (Variation ID: 234104). Algorithms developed to predict the effect of missense changes on protein structure and function output the following: SIFT: "Not Available"; PolyPhen-2: "Benign"; Align-GVGD: "Not Available". The phenylalanine amino acid residue is found in multiple mammalian species, which suggests that this missense change does not adversely affect protein function. In summary, the available evidence is currently insufficient to determine the role of this variant in disease. Therefore, it has been classified as a Variant of Uncertain Significance.

NM_024675.4(PALB2):c.595C>T (p.Leu199Phe)

Gene: PALB2 (partner and localizer of BRCA2; minus strand). Cytogenetic location: 16p12.2.
Variant type: single nucleotide variant.
Coding change: c.595C>T on transcript NM_024675.4 (MANE Select); coding-DNA position 595, C replaced by T.
Protein change: p.Leu199Phe; replaces leucine 199 with phenylalanine.
Molecular consequence: missense variant.
Genome position (GRCh38, 1-based): chr16:23,635,951, G>A on the plus strand (C>T on the coding strand, the complement: PALB2 is on the minus strand). VCF-style: chr16-23635951-G-A. GRCh37 (hg19) VCF-style: chr16-23647272-G-A.
Other names: short protein forms L199F.
Identifiers: ClinVar variation 234104 (VCV000234104.10), dbSNP rs876660851, ClinGen allele CA10580037.
Genomic context (GRCh38, chr16:23,635,951, plus strand): 5'-CTTCATTAATTTCTGTAACTGGTTCTGGAGAATCTGGAAGTTCAGATTTAAGACTTAAAA[G>A]GTGAGTTCTTATTTCAGTTACTGGTGATCTAGCAGGATTTTTGCTACTGATTTCTTCCTG-3'
Protein context (NP_078951.2, residues 189-209): RSPVTEIRTH[Leu199Phe]LSLKSELPDS